The following is an entry in ClinVar:

NM_018124.4(RFWD3):c.1390A>G (p.Ile464Val)

Gene: RFWD3 (ring finger and WD repeat domain 3; minus strand). Cytogenetic location: 16q23.1.
Variant type: single nucleotide variant.
Coding change: c.1390A>G on transcript NM_018124.4 (MANE Select); coding-DNA position 1390, A replaced by G.
Protein change: p.Ile464Val; replaces isoleucine 464 with valine.
Molecular consequence: missense variant.
Genome position (GRCh38, 1-based): chr16:74,636,382, T>C on the plus strand (A>G on the coding strand, the complement: RFWD3 is on the minus strand). VCF-style: chr16-74636382-T-C. GRCh37 (hg19) VCF-style: chr16-74670280-T-C.
Other names: c.1390A>G, p.Ile464Val (NM_001370534.1, NM_001370535.1, NM_001370536.1); c.556A>G, p.Ile186Val (NM_001370537.1, NM_001370539.1, NM_001370540.1 and 3 more transcripts); c.1390A>G (NM_018124.3); short protein forms I186V, I464V.
Identifiers: ClinVar variation 2079375 (VCV002079375.5), dbSNP rs1030253516, ClinGen allele CA283745759.

ClinVar aggregate classification (germline): Conflicting classifications of pathogenicity. Review status: criteria provided, conflicting classifications (1 of 4 stars). 2 submissions from 2 submitters: Uncertain significance (1); Likely benign (1). Last evaluated 2025-10-14.

Allele frequency attached by ClinVar (database versions not stated): gnomAD exomes below 0.00001; gnomAD 0.00001; TOPMed 0.00002.
gnomAD v4.1: 9 of 1,614,062 alleles (0.00056%); highest among the groups gnomAD compares: Admixed American, 0.01%; no homozygotes.

Submissions (2):

Labcorp Genetics (formerly Invitae), Labcorp
Classification: Uncertain significance. Last evaluated: 2025-10-14. Review status: criteria provided, single submitter. Criteria: Invitae Variant Classification Sherloc (09022015). Collection method: clinical testing. Allele origin: germline.
Comment: This sequence change replaces isoleucine, which is neutral and non-polar, with valine, which is neutral and non-polar, at codon 464 of the RFWD3 protein (p.Ile464Val). This variant is present in population databases (no rsID available, gnomAD 0.006%). This variant has not been reported in the literature in individuals affected with RFWD3-related conditions. ClinVar contains an entry for this variant (Variation ID: 2079375). An algorithm developed to predict the effect of missense changes on protein structure and function outputs the following: PolyPhen-2: "Benign". The valine amino acid residue is found in multiple mammalian species, which suggests that this missense change does not adversely affect protein function. In summary, the available evidence is currently insufficient to determine the role of this variant in disease. Therefore, it has been classified as a Variant of Uncertain Significance.

Ambry Genetics
Classification: Likely benign. Last evaluated: 2025-01-09. Review status: criteria provided, single submitter. Criteria: Ambry Variant Classification Scheme 2023. Collection method: clinical testing. Allele origin: germline.